The following is an entry in ClinVar:

ClinVar aggregate classification (germline): Uncertain significance (1 of 4 stars; one submission).

Conditions:
Hyperphosphatasia with impaired intellectual development syndrome 2. Also called: Hyperphosphatasia with intellectual disability syndrome 2; GLYCOSYLPHOSPHATIDYLINOSITOL BIOSYNTHESIS DEFECT 6. Identifiers: Orphanet 247262, MedGen C3553637, MONDO:0013882, OMIM 614749.

Allele frequency attached by ClinVar (database versions not stated): TOPMed 0.00001; gnomAD exomes below 0.00001; gnomAD 0.00001.
gnomAD v4.1: 2 of 1,606,204 alleles (0.00012%); highest among the groups gnomAD compares: African/African-American, 0.0013%; no homozygotes.

Submission:

Labcorp Genetics (formerly Invitae), Labcorp
Classification: Uncertain significance for Hyperphosphatasia with impaired intellectual development syndrome 2. Last evaluated: 2019-03-12. Review status: criteria provided, single submitter. Criteria: Invitae Variant Classification Sherloc (09022015). Collection method: clinical testing. Allele origin: germline.
Comment: This sequence change replaces isoleucine with valine at codon 164 of the PIGO protein (p.Ile164Val). The isoleucine residue is moderately conserved and there is a small physicochemical difference between isoleucine and valine. This variant is not present in population databases (ExAC no frequency). This variant has not been reported in the literature in individuals with PIGO-related conditions. Algorithms developed to predict the effect of missense changes on protein structure and function output the following: SIFT: "Tolerated"; PolyPhen-2: "Benign"; Align-GVGD: "Class C0". The valine amino acid residue is found in multiple mammalian species, suggesting that this missense change does not adversely affect protein function. These predictions have not been confirmed by published functional studies and their clinical significance is uncertain. In summary, the available evidence is currently insufficient to determine the role of this variant in disease. Therefore, it has been classified as a Variant of Uncertain Significance.

NM_032634.4(PIGO):c.490A>G (p.Ile164Val)

Gene: PIGO (phosphatidylinositol glycan anchor biosynthesis class O; minus strand). Cytogenetic location: 9p13.3.
Variant type: single nucleotide variant.
Coding change: c.490A>G on transcript NM_032634.4 (MANE Select); coding-DNA position 490, A replaced by G.
Protein change: p.Ile164Val; replaces isoleucine 164 with valine.
Molecular consequence: missense variant.
Genome position (GRCh38, 1-based): chr9:35,095,076, T>C on the plus strand (A>G on the coding strand, the complement: PIGO is on the minus strand). VCF-style: chr9-35095076-T-C. GRCh37 (hg19) VCF-style: chr9-35095073-T-C.
Other names: c.490A>G, p.Ile164Val (NM_001201484.2, NM_152850.4); short protein forms I164V.
Identifiers: ClinVar variation 857039 (VCV000857039.8), dbSNP rs1425816362, ClinGen allele CA373324187.
Genomic context (GRCh38, chr9:35,095,076, plus strand): 5'-GCCAAGGTACTTCTGGCCTTCAAAGTGGCCCACACTGACCTGCACTGGTGAGCTGCTTAA[T>C]GAGATTGTCTTCCACTATGGCGTGGCTGGCGAAGTTACTACCAGCATCAATAAAGGTAGG-3'
Protein context (NP_116023.2, residues 154-174): ASHAIVEDNL[Ile164Val]KQLTSAGRRV